The following is an entry in ClinVar:

NM_000238.4(KCNH2):c.2788A>G (p.Ser930Gly)

Gene: KCNH2 (potassium voltage-gated channel subfamily H member 2; minus strand). Cytogenetic location: 7q36.1.
Variant type: single nucleotide variant.
Coding change: c.2788A>G on transcript NM_000238.4 (MANE Select); coding-DNA position 2788, A replaced by G.
Protein change: p.Ser930Gly; replaces serine 930 with glycine.
Molecular consequence: missense variant.
Genome position (GRCh38, 1-based): chr7:150,947,783, T>C on the plus strand (A>G on the coding strand, the complement: KCNH2 is on the minus strand). VCF-style: chr7-150947783-T-C. GRCh37 (hg19) VCF-style: chr7-150644871-T-C.
Other names: c.1768A>G, p.Ser590Gly (NM_172057.3); short protein forms S590G, S930G.
Identifiers: ClinVar variation 924230 (VCV000924230.6), dbSNP rs794728400, ClinGen allele CA369853404.

ClinVar aggregate classification (germline): Uncertain significance (1 of 4 stars; one submission).

Conditions:
Cardiac arrhythmia. Also called: Cardiac rhythm disease; Arrhythmia. Identifiers: MedGen C0003811, MONDO:0007263, HP:0011675.

Submission:

Color Diagnostics, LLC DBA Color Health
Classification: Uncertain significance for Cardiac arrhythmia. Last evaluated: 2024-03-07. Review status: criteria provided, single submitter. Criteria: ACMG Guidelines, 2015. Collection method: clinical testing. Allele origin: germline.
Comment: This missense variant replaces serine with glycine at codon 930 of the KCNH2 protein. Computational prediction is inconclusive regarding the impact of this variant on protein structure and function (internally defined REVEL score threshold 0.5 < inconclusive < 0.7, PMID: 27666373). Splice site prediction tools suggest that this variant may not impact RNA splicing. To our knowledge, functional studies have not been performed for this variant. This variant has not been reported in individuals affected with cardiovascular disorders in the literature. This variant has not been identified in the general population by the Genome Aggregation Database (gnomAD). The available evidence is insufficient to determine the role of this variant in disease conclusively. Therefore, this variant is classified as a Variant of Uncertain Significance.